The following is an entry in ClinVar:

NM_203447.4(DOCK8):c.2719G>A (p.Asp907Asn)

Gene: DOCK8 (dedicator of cytokinesis 8; plus strand). Cytogenetic location: 9p24.3.
Variant type: single nucleotide variant.
Coding change: c.2719G>A on transcript NM_203447.4 (MANE Select); coding-DNA position 2719, G replaced by A.
Protein change: p.Asp907Asn; replaces aspartic acid 907 with asparagine.
Molecular consequence: missense variant.
Genome position (GRCh38, 1-based): chr9:382,626, G>A. VCF-style: chr9-382626-G-A. GRCh37 (hg19) VCF-style: chr9-382626-G-A.
Other names: c.2515G>A, p.Asp839Asn (NM_001190458.2, NM_001193536.2); short protein forms D839N, D907N.
Identifiers: ClinVar variation 913095 (VCV000913095.7), dbSNP rs756707690, ClinGen allele CA4958293.
Genomic context (GRCh38, chr9:382,626, plus strand): 5'-TCAGCTGCTGCTGTGAGTTCAAAGCTGCTGCAGGCCCGGGTGATGAGCAGCAGTAACCCA[G>A]ACCTCGCGGGGACACACTCCGCAGCAGACGAGGAAGTGAAGAACATCATGTCTTCAAAGG-3'
Protein context (NP_982272.2, residues 897-917): QARVMSSSNP[Asp907Asn]LAGTHSAADE

ClinVar aggregate classification (germline): Uncertain significance. Review status: criteria provided, multiple submitters, no conflicts (2 of 4 stars). 2 submissions from 2 submitters: Uncertain significance (2). Last evaluated 2023-08-24.

Conditions:
Combined immunodeficiency due to DOCK8 deficiency (HIES2). Also called: HIES autosomal recessive; Hyper-IgE recurrent infection syndrome, autosomal recessive; HYPER-IgE SYNDROME 2, AUTOSOMAL RECESSIVE, WITH RECURRENT INFECTIONS; DOCK8 Deficiency; HYPER-IgE RECURRENT INFECTION SYNDROME 2, AUTOSOMAL RECESSIVE. Identifiers: Orphanet 217390, MedGen C4722305, MONDO:0009478, OMIM 243700.
Hyper-IgE recurrent infection syndrome 3, autosomal recessive. Also called: Autosomal recessive hyper-IgE syndrome due to ZNF341 deficiency; HYPER-IgE SYNDROME 3, AUTOSOMAL RECESSIVE, WITH RECURRENT INFECTIONS. Identifiers: Orphanet 641368, MedGen C4748969, MONDO:0032654, OMIM 618282.

Allele frequency attached by ClinVar (database versions not stated): gnomAD 0.00003; TOPMed 0.00003; ExAC 0.00007; gnomAD exomes 0.00007.
gnomAD v4.1: 38 of 1,614,036 alleles (0.0024%); highest among the groups gnomAD compares: Admixed American, 0.032%; no homozygotes.

Submissions (2):

Labcorp Genetics (formerly Invitae), Labcorp
Classification: Uncertain significance for Combined immunodeficiency due to DOCK8 deficiency. Last evaluated: 2023-08-24. Review status: criteria provided, single submitter. Criteria: Invitae Variant Classification Sherloc (09022015). Collection method: clinical testing. Allele origin: germline.
Comment: This sequence change replaces aspartic acid, which is acidic and polar, with asparagine, which is neutral and polar, at codon 907 of the DOCK8 protein (p.Asp907Asn). This variant is present in population databases (rs756707690, gnomAD 0.03%). This variant has not been reported in the literature in individuals affected with DOCK8-related conditions. ClinVar contains an entry for this variant (Variation ID: 913095). Advanced modeling of protein sequence and biophysical properties (such as structural, functional, and spatial information, amino acid conservation, physicochemical variation, residue mobility, and thermodynamic stability) performed at Invitae indicates that this missense variant is expected to disrupt DOCK8 protein function. In summary, the available evidence is currently insufficient to determine the role of this variant in disease. Therefore, it has been classified as a Variant of Uncertain Significance.

Illumina Laboratory Services, Illumina
Classification: Uncertain significance for Combined immunodeficiency due to DOCK8 deficiency. Last evaluated: 2018-01-13. Review status: criteria provided, single submitter. Criteria: ICSL Variant Classification Criteria 13 December 2019. Collection method: clinical testing. Allele origin: germline.